The following is an entry in ClinVar:

ClinVar aggregate classification (germline): Uncertain significance (1 of 4 stars; one submission).

gnomAD v4.1: 25 of 1,581,282 alleles (0.0016%); highest among the groups gnomAD compares: East Asian, 0.0045%; no homozygotes.

Submission:

Ambry Genetics
Classification: Uncertain significance. Last evaluated: 2025-04-24. Review status: criteria provided, single submitter. Criteria: Ambry Variant Classification Scheme 2023. Collection method: clinical testing. Allele origin: germline.
Comment: The p.G1712W variant (also known as c.5134G>T), located in coding exon 22 of the WNK2 gene, results from a G to T substitution at nucleotide position 5134. The glycine at codon 1712 is replaced by tryptophan, an amino acid with highly dissimilar properties. This amino acid position is conserved. In addition, this alteration is predicted to be tolerated by in silico analysis. Based on the available evidence, the clinical significance of this variant remains unclear.

NM_006648.4(WNK2):c.5134G>T (p.Gly1712Trp)

Gene: WNK2 (WNK lysine deficient protein kinase 2; plus strand). Cytogenetic location: 9q22.31.
Variant type: single nucleotide variant.
Coding change: c.5134G>T on transcript NM_006648.4 (MANE Select); coding-DNA position 5134, G replaced by T.
Protein change: p.Gly1712Trp; replaces glycine 1712 with tryptophan.
Molecular consequence: missense variant.
Genome position (GRCh38, 1-based): chr9:93,292,599, G>T. VCF-style: chr9-93292599-G-T. GRCh37 (hg19) VCF-style: chr9-96054881-G-T.
Other names: c.5245G>T, p.Gly1749Trp (NM_001282394.3); short protein forms G1749W, G1712W.
Identifiers: ClinVar variation 3981939 (VCV003981939.1).